The following is an entry in ClinVar:

NM_004225.3(MFHAS1):c.1581G>A (p.Val527=)

Gene: MFHAS1 (multifunctional ROCO family signaling regulator 1). Cytogenetic location: 8p23.1.
Variant type: single nucleotide variant.
Coding change: c.1581G>A on transcript NM_004225.3 (MANE Select); coding-DNA position 1581, G replaced by A.
Protein change: p.Val527=; no amino-acid change (valine 527 retained).
Molecular consequence: synonymous variant.
Genome position (GRCh38, 1-based): chr8:8,891,478, C>T on the plus strand (G>A on the coding strand, the complement: MFHAS1 is on the minus strand). VCF-style: chr8-8891478-C-T. GRCh37 (hg19) VCF-style: chr8-8748988-C-T.
Identifiers: ClinVar variation 3043357 (VCV003043357.2), dbSNP rs138267533, ClinGen allele CA4619213.

ClinVar aggregate classification (germline): Likely benign (0 of 4 stars; one submission).

Conditions:
MFHAS1-related disorder. Also called: MFHAS1-related condition.

Allele frequency attached by ClinVar (database versions not stated): ESP Exome Variant Server 0.00008; gnomAD 0.00014; TOPMed 0.00015; 1000 Genomes Project 30x 0.00016; 1000 Genomes Project 0.00020.
gnomAD v4.1: 32 of 1,613,010 alleles (0.002%); highest among the groups gnomAD compares: African/African-American, 0.041%; no homozygotes.

Submission:

PreventionGenetics, part of Exact Sciences
Classification: Likely benign for MFHAS1-related condition. Last evaluated: 2019-06-27. Review status: no assertion criteria provided. Collection method: clinical testing. Allele origin: germline.
Comment: This variant is classified as likely benign based on ACMG/AMP sequence variant interpretation guidelines (Richards et al. 2015 PMID: 25741868, with internal and published modifications).